The following is an entry in ClinVar:

ClinVar aggregate classification (germline): Conflicting classifications of pathogenicity. Review status: criteria provided, conflicting classifications (1 of 4 stars). 2 submissions from 2 submitters: Uncertain significance (1); Likely benign (1). Last evaluated 2025-03-27.

Conditions:
Hereditary cancer-predisposing syndrome. Also called: Tumor predisposition; Hereditary Cancer Syndrome; Hereditary neoplastic syndrome; Neoplastic Syndromes, Hereditary. Identifiers: Orphanet 140162, MedGen C0027672, MeSH D009386, MONDO:0015356.
Ataxia-telangiectasia-like disorder (ATLD). Identifiers: MedGen C1858391, MONDO:0011457.

Submissions (2):

Labcorp Genetics (formerly Invitae), Labcorp
Classification: Uncertain significance for Ataxia-telangiectasia-like disorder. Last evaluated: 2025-03-27. Review status: criteria provided, single submitter. Criteria: Invitae Variant Classification Sherloc (09022015). Collection method: clinical testing. Allele origin: germline.
Comment: This sequence change replaces isoleucine, which is neutral and non-polar, with valine, which is neutral and non-polar, at codon 263 of the MRE11 protein (p.Ile263Val). This variant is not present in population databases (gnomAD no frequency). This variant has not been reported in the literature in individuals affected with MRE11-related conditions. ClinVar contains an entry for this variant (Variation ID: 3295829). An algorithm developed to predict the effect of missense changes on protein structure and function outputs the following: PolyPhen-2: "Benign". The valine amino acid residue is found in multiple mammalian species, which suggests that this missense change does not adversely affect protein function. In summary, the available evidence is currently insufficient to determine the role of this variant in disease. Therefore, it has been classified as a Variant of Uncertain Significance.

Ambry Genetics
Classification: Likely benign for Hereditary cancer-predisposing syndrome. Last evaluated: 2024-10-20. Review status: criteria provided, single submitter. Criteria: Ambry Variant Classification Scheme 2023. Collection method: clinical testing. Allele origin: germline.

NM_005591.4(MRE11):c.787A>G (p.Ile263Val)

Gene: MRE11 (MRE11 double strand break repair nuclease; minus strand). Cytogenetic location: 11q21.
Variant type: single nucleotide variant.
Coding change: c.787A>G on transcript NM_005591.4 (MANE Select); coding-DNA position 787, A replaced by G.
Protein change: p.Ile263Val; replaces isoleucine 263 with valine.
Molecular consequence: missense variant.
Genome position (GRCh38, 1-based): chr11:94,471,632, T>C on the plus strand (A>G on the coding strand, the complement: MRE11 is on the minus strand). VCF-style: chr11-94471632-T-C. GRCh37 (hg19) VCF-style: chr11-94204798-T-C.
Other names: c.787A>G, p.Ile263Val (NM_001330347.2, NM_005590.4); short protein forms I263V.
Identifiers: ClinVar variation 3295829 (VCV003295829.3).